The following is an entry in ClinVar:

ClinVar aggregate classification (germline): Uncertain significance (1 of 4 stars; one submission).

Submission:

Labcorp Genetics (formerly Invitae), Labcorp
Classification: Uncertain significance. Last evaluated: 2026-01-27. Review status: criteria provided, single submitter. Criteria: Invitae Variant Classification Sherloc (09022015). Collection method: clinical testing. Allele origin: germline.
Comment: This sequence change replaces lysine, which is basic and polar, with asparagine, which is neutral and polar, at codon 462 of the CDC6 protein (p.Lys462Asn). This variant is not present in population databases (gnomAD no frequency). This variant has not been reported in the literature in individuals affected with CDC6-related conditions. An algorithm developed to predict the effect of missense changes on protein structure and function (PolyPhen-2) suggests that this variant is likely to be disruptive. In summary, the available evidence is currently insufficient to determine the role of this variant in disease. Therefore, it has been classified as a Variant of Uncertain Significance.

NM_001254.4(CDC6):c.1386G>T (p.Lys462Asn)

Gene: CDC6 (cell division cycle 6; plus strand). Cytogenetic location: 17q21.2.
Variant type: single nucleotide variant.
Coding change: c.1386G>T on transcript NM_001254.4 (MANE Select); coding-DNA position 1386, G replaced by T.
Protein change: p.Lys462Asn; replaces lysine 462 with asparagine.
Molecular consequence: missense variant.
Genome position (GRCh38, 1-based): chr17:40,300,964, G>T. VCF-style: chr17-40300964-G-T. GRCh37 (hg19) VCF-style: chr17-38457216-G-T.
Other names: short protein forms K462N.
Identifiers: ClinVar variation 4771398 (VCV004771398.1).